The following is an entry in ClinVar:

ClinVar aggregate classification (germline): Pathogenic/Likely pathogenic. Review status: criteria provided, multiple submitters, no conflicts (2 of 4 stars). 6 submissions from 6 submitters: Pathogenic (3); Likely pathogenic (3). Last evaluated 2024-08-15.

Conditions:
EED-related disorders.
Cohen-Gibson syndrome (COGIS). Also called: EED-Related Overgrowth. Identifiers: Orphanet 659396, MedGen C4479654, MONDO:0060510, OMIM 617561.

Allele frequency attached by ClinVar (database versions not stated): gnomAD exomes below 0.00001.
gnomAD v4.1: 2 of 1,612,342 alleles (0.00012%); highest among the groups gnomAD compares: Non-Finnish European, 0.00017%; no homozygotes.

Submissions (6):

Institute for Genomic Medicine (IGM) Clinical Laboratory, Nationwide Children's Hospital
Classification: Likely pathogenic for Cohen-Gibson syndrome. Last evaluated: 2024-08-15. Review status: criteria provided, single submitter. Criteria: ACMG Guidelines, 2015. Collection method: clinical testing. Allele origin: germline.
Comment: This variant has been reported at an elevated frequency in affected individuals/in multiple affected individuals in the literature (ACMG/AMP: PS4_Moderate; PMIDs:28475857, 30793471, 30858506, 34533271). This variant is absent from or present at an exceedingly low frequency in gnomAD, a large-scale control population database (ACMG/AMP: PM2). This variant has been reported to occur de novo in an affected individual in the literature without parental identity confirmed (ACMG/AMP: PM6; PMIDs:28475857, 30793471, 30858506, 34533271). This variant has been shown to segregate with disease in multiple affected family members (ACMG/AMP: PP1).

Institute of Immunology and Genetics Kaiserslautern
Classification: Likely pathogenic for Cohen-Gibson syndrome. Last evaluated: 2024-04-25. Review status: criteria provided, single submitter. Criteria: ACMG Guidelines, 2015. Collection method: clinical testing. Allele origin: de novo. Affected: yes.
Comment: ACMG Criteria: PM2, PP5, PS2; Variant was found in heterozygous state

GeneDx
Classification: Pathogenic. Last evaluated: 2023-08-17. Review status: criteria provided, single submitter. Criteria: GeneDx Variant Classification Process June 2021. Collection method: clinical testing. Allele origin: germline. Affected: yes.
Comment: Not observed at significant frequency in large population cohorts (gnomAD); In silico analysis supports that this missense variant has a deleterious effect on protein structure/function; This variant is associated with the following publications: (PMID: 28475857, 34533271, 30858506, 30793471)

3billion
Classification: Pathogenic for Cohen-Gibson syndrome. Last evaluated: 2023-08-07. Review status: criteria provided, single submitter. Criteria: ACMG Guidelines, 2015. Collection method: clinical testing. Allele origin: germline. Affected: yes.
Comment: The variant is not observed in the gnomAD v2.1.1 dataset. Predicted Consequence/Location: Missense changes are a common disease-causing mechanism. Same nucleotide change resulting in same amino acid change has been previously reported to be associated with EED related disorder (ClinVar ID: VCV001699191 /PMID: 28475857).The variant has been previously reported as de novo in at least two similarly affected unrelated individuals (PMID: 28475857, 30858506). Therefore, this variant is classified as Pathogenic according to the recommendation of ACMG/AMP guideline.

Victorian Clinical Genetics Services, Murdoch Childrens Research Institute
Classification: Pathogenic for Cohen-Gibson syndrome. Last evaluated: 2022-02-02. Review status: criteria provided, single submitter. Criteria: ACMG Guidelines, 2015. Collection method: clinical testing. Allele origin: germline. Inheritance: Autosomal dominant inheritance. Affected: yes.
Comment: Based on the classification scheme VCGS_Germline_v1.3.4, this variant is classified as Pathogenic. Following criteria are met: 0105 - The mechanism of disease for this gene is not clearly established. (I) 0107 - This gene is associated with autosomal dominant disease. (I) 0200 - Variant is predicted to result in a missense amino acid change from asparagine to serine. (I) 0251 - This variant is heterozygous. (I) 0301 - Variant is absent from gnomAD (both v2 and v3). (SP) 0502 - Missense variant with conflicting in silico predictions and uninformative conservation. (I) 0603 - Missense variant in a region that is highly intolerant to missense variation (high constraint region in DECIPHER). (SP) 0705 - No comparable missense variants have previous evidence for pathogenicity. (I) 0801 - This variant has strong previous evidence of pathogenicity in unrelated individuals. This variant has been reported de novo in two unrelated individuals and in an unrelated family with Cohen-Gibson syndrome (PMID: 28475857, 30858506, Kang and Kim 2021). (SP) 0903 - This variant has limited evidence for segregation with disease. This variant segregated with disease in 4 members of the same family (Kang and Kim 2021). (SP) 1007 - No published functional evidence has been identified for this variant. (I) 1208 - Inheritance information for this variant is not currently available in this individual. (I) Legend: (SP) - Supporting pathogenic, (I) - Information, (SB) - Supporting benign

Blueprint Genetics
Classification: Likely pathogenic for EED-related disorders. Last evaluated: 2019-04-02. Review status: criteria provided, single submitter. Criteria: ACMG Guidelines, 2015. Collection method: clinical testing. Allele origin: germline. Affected: yes. Observed: 1 variant allele.

Literature cited by the submitters: PubMed 28475857 (cited by 3 submitters); PubMed 30793471 (cited by Institute for Genomic Medicine (IGM) Clinical Laboratory, Nationwide Children's Hospital); PubMed 30858506 (cited by 3 submitters); PubMed 34533271 (cited by Institute for Genomic Medicine (IGM) Clinical Laboratory, Nationwide Children's Hospital).

NM_003797.5(EED):c.581A>G (p.Asn194Ser)

Gene: EED (embryonic ectoderm development; plus strand). Cytogenetic location: 11q14.2.
Variant type: single nucleotide variant.
Coding change: c.581A>G on transcript NM_003797.5 (MANE Select); coding-DNA position 581, A replaced by G.
Protein change: p.Asn194Ser; replaces asparagine 194 with serine.
Molecular consequence: missense variant.
Genome position (GRCh38, 1-based): chr11:86,257,543, A>G. VCF-style: chr11-86257543-A-G. GRCh37 (hg19) VCF-style: chr11-85968585-A-G.
Other names: c.581A>G, p.Asn194Ser (NM_001308007.2, NM_001330334.2); short protein forms N194S.
Identifiers: ClinVar variation 1699191 (VCV001699191.8), dbSNP rs1945710855, ClinGen allele CA382004235.